The following is an entry in ClinVar:

NM_001146079.2(CLDN14):c.129C>T (p.Ala43=)

Genes: CLDN14-AS1 (CLDN14 antisense RNA 1; plus strand), CLDN14 (claudin 14; minus strand). Cytogenetic location: 21q22.13.
Variant type: single nucleotide variant.
Coding change: c.129C>T on transcript NM_001146079.2 (MANE Select); coding-DNA position 129, C replaced by T.
Protein change: p.Ala43=; no amino-acid change (alanine 43 retained).
Molecular consequence: synonymous variant.
Genome position (GRCh38, 1-based): chr21:36,461,567, G>A on the plus strand (C>T on the coding strand, the complement: CLDN14 is on the minus strand). VCF-style: chr21-36461567-G-A. GRCh37 (hg19) VCF-style: chr21-37833865-G-A.
Other names: c.129C>T, p.Ala43= (NM_001146077.2, NM_001146078.3, NM_012130.4 and 1 more transcripts).
Identifiers: ClinVar variation 898996 (VCV000898996.21), dbSNP rs150731625, ClinGen allele CA10019335.
Genomic context (GRCh38, chr21:36,461,567, plus strand): 5'-CTGGTAGATGCCTGTGCTGTGCCACACACACTCCATCCAGAGCCCTTTCAGGTAGGACAC[G>A]GCCGTGAGGATGTTGGTGCCCACGTGCGCTGTCCTCCGCCAGTGCGGCAGGATGGTGGTG-3'
Protein context (NP_001139551.1, residues 33-53): TAHVGTNILT[Ala43=]VSYLKGLWME

ClinVar aggregate classification (germline): Conflicting classifications of pathogenicity. Review status: criteria provided, conflicting classifications (1 of 4 stars). 5 submissions from 5 submitters: Uncertain significance (1); Benign (1); Likely benign (3). Last evaluated 2025-11-01.

Conditions:
Autosomal recessive nonsyndromic hearing loss 29. Identifiers: Orphanet 90636, MedGen C3279660, MONDO:0013537, OMIM 614035.

Allele frequency attached by ClinVar (database versions not stated): TOPMed 0.00013; gnomAD 0.00015; gnomAD exomes 0.00025 and 0.00031; ESP Exome Variant Server 0.00031; ExAC 0.00032.
gnomAD v4.1: 391 of 1,612,904 alleles (0.024%); highest among the groups gnomAD compares: South Asian, 0.074%; 2 homozygotes.

Submissions (5):

CeGaT Center for Human Genetics Tuebingen
Classification: Likely benign. Last evaluated: 2025-11-01. Review status: criteria provided, single submitter. Criteria: CeGaT Center For Human Genetics Tuebingen Variant Classification Criteria Version 2. Collection method: clinical testing. Allele origin: germline. Affected: yes. Observed: 1 variant allele.
Comment: CLDN14: BP4, BP7

Labcorp Genetics (formerly Invitae), Labcorp
Classification: Benign. Last evaluated: 2025-07-10. Review status: criteria provided, single submitter. Criteria: Invitae Variant Classification Sherloc (09022015). Collection method: clinical testing. Allele origin: germline.

Blueprint Genetics
Classification: Likely benign. Last evaluated: 2024-10-25. Review status: criteria provided, single submitter. Criteria: ACMG Guidelines, 2015. Collection method: clinical testing. Allele origin: germline.

GeneDx
Classification: Likely benign. Last evaluated: 2021-05-11. Review status: criteria provided, single submitter. Criteria: GeneDx Variant Classification Process June 2021. Collection method: clinical testing. Allele origin: germline. Affected: yes.

Illumina Laboratory Services, Illumina
Classification: Uncertain significance for Autosomal recessive nonsyndromic hearing loss 29. Last evaluated: 2017-04-27. Review status: criteria provided, single submitter. Criteria: ICSL Variant Classification Criteria 13 December 2019. Collection method: clinical testing. Allele origin: germline.
Comment: This variant was observed as part of a predisposition screen in an ostensibly healthy population. A literature search was performed for the gene, cDNA change, and amino acid change (where applicable). Publications were found based on this search. However, the evidence from the literature, in combination with allele frequency data from public databases where available, was not sufficient to rule this variant in or out of causing disease. Therefore, this variant is classified as a variant of unknown significance.

Literature cited by the submitters: PubMed 23991001 (cited by Illumina Laboratory Services, Illumina).